The following is an entry in ClinVar:

ClinVar aggregate classification (germline): Uncertain significance (1 of 4 stars; one submission).

Allele frequency attached by ClinVar (database versions not stated): gnomAD exomes 0.00001.
gnomAD v4.1: 6 of 1,613,284 alleles (0.00037%); highest among the groups gnomAD compares: Non-Finnish European, 0.00051%; no homozygotes.

Submission:

GeneDx
Classification: Uncertain significance. Last evaluated: 2017-04-20. Review status: criteria provided, single submitter. Criteria: GeneDx Variant Classification (06012015). Collection method: clinical testing. Allele origin: germline. Affected: yes.
Comment: A variant of uncertain significance has been identified in the NIPBL gene. The c.5843 T>A variant has not been published as a pathogenic variant, nor has it been reported as a benign variant to our knowledge. The c.5843 T>A variant is not observed in large population cohorts (Lek et al., 2016; 1000 Genomes Consortium et al., 2015; Exome Variant Server). Several in-silico splice prediction models predict that c.5843 T>A creates a cryptic donor site in exon 32 which may lead to abnormal gene splicing. However, in the absence of RNA/functional studies, the actual effect of this sequence change in this individual is unknown. If the c.5843 T>A variant does not affect splicing, it will result in the F1948Y missense change. The F1948Y variant is a non-conservative amino acid substitution, which is likely to impact secondary protein structure as these residues differ in polarity, charge, size and/or other properties. This substitution occurs at a position that is conserved across species, and in silico analysis predicts this variant is probably damaging to the protein structure/function. However, missense variants in nearby residues have not been reported in the Human Gene Mutation Database in association with NIPBL-related disorders (Stenson et al., 2014). Therefore, based on the currently available information, it is unclear whether this variant is a pathogenic variant or a rare benign variant.

NM_133433.4(NIPBL):c.5843T>A (p.Phe1948Tyr)

Gene: NIPBL (NIPBL cohesin loading factor; plus strand). Cytogenetic location: 5p13.2.
Variant type: single nucleotide variant.
Coding change: c.5843T>A on transcript NM_133433.4 (MANE Select); coding-DNA position 5843, T replaced by A.
Protein change: p.Phe1948Tyr; replaces phenylalanine 1948 with tyrosine.
Molecular consequence: missense variant.
Genome position (GRCh38, 1-based): chr5:37,027,393, T>A. VCF-style: chr5-37027393-T-A. GRCh37 (hg19) VCF-style: chr5-37027495-T-A.
Other names: c.5843T>A, p.Phe1948Tyr (NM_015384.5); short protein forms F1948Y.
Identifiers: ClinVar variation 426346 (VCV000426346.2), dbSNP rs1085307579, ClinGen allele CA359493148.
Genomic context (GRCh38, chr5:37,027,393, plus strand): 5'-ACTTTGATTCTTTTCATCACCCTTAGGTTGCAGCATGCAGAGATACTGGATATGACTGGT[T>A]TGAGCAACTGCTTCAAAACGTGAGTGTTCTTTTGACTCCTGATAACCTAAAATTTAATAG-3'
Protein context (NP_597677.2, residues 1938-1958): AACRDTGYDW[Phe1948Tyr]EQLLQNLLKS